The following is an entry in ClinVar:

ClinVar aggregate classification (germline): Likely benign (1 of 4 stars; one submission).

gnomAD v4.1: 5,909 of 1,613,868 alleles (0.37%); highest among the groups gnomAD compares: Non-Finnish European, 0.47%; 17 homozygotes.

Submission:

CeGaT Center for Human Genetics Tuebingen
Classification: Likely benign. Last evaluated: 2026-09-01. Review status: criteria provided, single submitter. Criteria: CeGaT Center For Human Genetics Tuebingen Variant Classification Criteria Version 2. Collection method: clinical testing. Allele origin: germline. Affected: yes. Observed: 4 variant alleles.
Comment: RFX7: BP4, BP7, BS2

NM_022841.7(RFX7):c.894A>G (p.Pro298=)

Gene: RFX7 (regulatory factor X7; minus strand). Cytogenetic location: 15q21.3.
Variant type: single nucleotide variant.
Coding change: c.894A>G on transcript NM_022841.7 (MANE Select); coding-DNA position 894, A replaced by G.
Protein change: p.Pro298=; no amino-acid change (proline 298 retained).
Molecular consequence: synonymous variant.
Genome position (GRCh38, 1-based): chr15:56,098,294, T>C on the plus strand (A>G on the coding strand, the complement: RFX7 is on the minus strand). VCF-style: chr15-56098294-T-C. GRCh37 (hg19) VCF-style: chr15-56390492-T-C.
Other names: c.603A>G, p.Pro201= (NM_001368073.2, NM_001368074.1, NM_001370554.1); c.894A>G, p.Pro298= (NM_001370561.1).
Identifiers: ClinVar variation 3777809 (VCV003777809.7).